The following is an entry in ClinVar:

ClinVar aggregate classification (germline): Uncertain significance (1 of 4 stars; one submission).

gnomAD v4.1: 6 of 990,096 alleles (0.00061%); highest among the groups gnomAD compares: Non-Finnish European, 0.00072%; no homozygotes.

Submission:

Labcorp Genetics (formerly Invitae), Labcorp
Classification: Uncertain significance. Last evaluated: 2025-10-23. Review status: criteria provided, single submitter. Criteria: Invitae Variant Classification Sherloc (09022015). Collection method: clinical testing. Allele origin: germline.
Comment: This sequence change replaces alanine, which is neutral and non-polar, with glycine, which is neutral and non-polar, at codon 27 of the KMT2B protein (p.Ala27Gly). The frequency data for this variant in the population databases is considered unreliable, as metrics indicate insufficient coverage at this position in the gnomAD database. This variant has not been reported in the literature in individuals affected with KMT2B-related conditions. Invitae Evidence Modeling of protein sequence and biophysical properties (such as structural, functional, and spatial information, amino acid conservation, physicochemical variation, residue mobility, and thermodynamic stability) has been performed for this missense variant. However, the output from this modeling did not meet the statistical confidence thresholds required to predict the impact of this variant on KMT2B protein function. In summary, the available evidence is currently insufficient to determine the role of this variant in disease. Therefore, it has been classified as a Variant of Uncertain Significance.

NM_014727.3(KMT2B):c.80C>G (p.Ala27Gly)

Genes: KMT2B (lysine methyltransferase 2B; plus strand), LOC130064257 (ATAC-STARR-seq lymphoblastoid silent region 10534; plus strand). Cytogenetic location: 19q13.12.
Variant type: single nucleotide variant.
Coding change: c.80C>G on transcript NM_014727.3 (MANE Select); coding-DNA position 80, C replaced by G.
Protein change: p.Ala27Gly; replaces alanine 27 with glycine.
Molecular consequence: missense variant.
Genome position (GRCh38, 1-based): chr19:35,718,098, C>G. VCF-style: chr19-35718098-C-G. GRCh37 (hg19) VCF-style: chr19-36209000-C-G.
Other names: short protein forms A27G.
Identifiers: ClinVar variation 4702559 (VCV004702559.1).